The following is an entry in ClinVar:

NM_172107.4(KCNQ2):c.992del (p.Lys331fs)

Gene: KCNQ2 (potassium voltage-gated channel subfamily Q member 2; minus strand). Cytogenetic location: 20q13.33.
Variant type: Deletion.
Coding change: c.992del on transcript NM_172107.4 (MANE Select); coding-DNA position 992, one base deleted (A; older notation c.992delA).
Protein change: p.Lys331fs; shifts the reading frame from lysine 331.
Molecular consequence: frameshift variant.
Genome position (GRCh38, 1-based): chr20:63,438,656, T deleted on the plus strand (A on the coding strand, the reverse complement: KCNQ2 is on the minus strand); the first of 2 consecutive T bases (chr20:63,438,656-63,438,657); deleting either gives the same sequence. VCF-style (leftmost placement, unchanged base first): chr20-63438655-CT-C. GRCh37 (hg19) VCF-style: chr20-62070008-CT-C.
Other names: c.992del, p.Lys331fs (NM_004518.6, NM_172106.3, NM_172108.5 and 1 more transcripts); short protein forms K331fs.
Identifiers: ClinVar variation 280885 (VCV000280885.2), dbSNP rs886042010, ClinGen allele CA10603475.

ClinVar aggregate classification (germline): Pathogenic (1 of 4 stars; one submission).

Submission:

GeneDx
Classification: Pathogenic. Last evaluated: 2016-09-26. Review status: criteria provided, single submitter. Criteria: GeneDx Variant Classification (06012015). Collection method: clinical testing. Allele origin: germline. Affected: yes.
Comment: The c.992delA pathogenic variant in the KCNQ2 gene causes a frameshift starting with codon Lysine 331, changes this amino acid to an Arginine residue and creates a premature Stop codon at position 9 of the new reading frame, denoted p.Lys331ArgfsX9. This pathogenic variant is predicted to cause loss of normal protein function either through protein truncation or nonsense-mediated mRNA decay. Furthermore, it was not observed in approximately 6,500 individuals of European and African American ancestry in the NHLBI Exome Sequencing Project, indicating it is not a common benign variant in these populations. This pathogenic variant has not been previously reported to our knowledge.